The following is an entry in ClinVar:

NM_000784.4(CYP27A1):c.526del (p.Asp176fs)

Gene: CYP27A1 (cytochrome P450 family 27 subfamily A member 1; plus strand). Cytogenetic location: 2q35.
Variant type: Deletion.
Coding change: c.526del on transcript NM_000784.4 (MANE Select); coding-DNA position 526, one base deleted (G; older notation c.526delG).
Protein change: p.Asp176fs; shifts the reading frame from aspartic acid 176.
Molecular consequence: frameshift variant.
Genome position (GRCh38, 1-based): chr2:218,812,301, G deleted; the last of 2 consecutive G bases (chr2:218,812,300-218,812,301); deleting either gives the same sequence. VCF-style (leftmost placement, unchanged base first): chr2-218812299-CG-C. GRCh37 (hg19) VCF-style: chr2-219677022-CG-C.
Other names: c.525del (NM_000784.4); short protein forms D176fs.
Identifiers: ClinVar variation 334367 (VCV000334367.33), dbSNP rs765512351, ClinGen allele CA2112637.
Genomic context (GRCh38, chr2:218,812,299, plus strand): 5'-ACCAGCTGCGCCAGGCTCTGAACCAGCGGTTGCTGAAGCCAGCGGAAGCAGCGCTCTATA[CG>C]GATGCTTTCAATGAGGTGATTGATGACTTTATGACTCGACTGGACCAGCTGCGGGCAGAG-3'

ClinVar aggregate classification (germline): Pathogenic/Likely pathogenic. Review status: criteria provided, multiple submitters, no conflicts (2 of 4 stars). 10 submissions from 10 submitters: Pathogenic (7); Likely pathogenic (1). 2 of the submissions do not count toward it. Last evaluated 2026-02-02.

Conditions:
Cholestanol storage disease (CTX). Also called: CTX: Cerebrotendinous xanthomatosis; Cerebrotendinous Xanthomatosis; CEREBRAL CHOLESTERINOSIS. Identifiers: Orphanet 909, MedGen C0238052, MONDO:0008948, OMIM 213700.
CYP27A1-related disorder. Also called: CYP27A1-related condition.

Submissions (10):

PreventionGenetics, part of Exact Sciences
Classification: Pathogenic for CYP27A1-related condition. Last evaluated: 2026-02-02. Review status: criteria provided, single submitter. Criteria: ACMG Guidelines, 2015. Collection method: clinical testing. Allele origin: germline.
Comment: The CYP27A1 c.526delG variant is predicted to result in a frameshift and premature protein termination (p.Asp176Metfs*6). This variant has been reported in the homozygous state in individuals with cerebrotendinous xanthomatosis (reported as G deletion at position 546 or 547 in Verrips et al. 1996. PubMed ID: 8931710; Shah et al. 2012. PubMed ID: 23287330; Dutta et al. 2015. PubMed ID: 26937392). This variant is reported in 0.026% of alleles in individuals of South Asian descent in gnomAD. Frameshift variants in CYP27A1 are expected to be pathogenic. This variant is interpreted as pathogenic.

Natera, Inc.
Classification: Pathogenic for Cerebrotendinous xanthomatosis. Last evaluated: 2025-12-29. Review status: criteria provided, single submitter. Criteria: Natera Variant Classification Schema (03/2026). Collection method: clinical testing. Allele origin: germline.
Comment: The c.526delG variant in CYP27A1 is a frameshift variant predicted to shift the reading frame beginning at codon 176 and leads to a stop codon 6 codons downstream. This variant is expected to result in nonsense mediated decay, truncation, or a dysfunctional protein product. This variant is rare in the general population with a frequency below the threshold expected for the associated phenotype(s). This variant has been observed in one or more individuals affected with the associated recessive disease, as either homozygous or compound heterozygous with a second variant (PMID: 12555943, 23287330). Given the available evidence, this variant is classified as Pathogenic.

Labcorp Genetics (formerly Invitae), Labcorp
Classification: Pathogenic for Cholestanol storage disease. Last evaluated: 2025-12-08. Review status: criteria provided, single submitter. Criteria: Invitae Variant Classification Sherloc (09022015). Collection method: clinical testing. Allele origin: germline.
Comment: This sequence change creates a premature translational stop signal (p.Asp176Metfs*6) in the CYP27A1 gene. It is expected to result in an absent or disrupted protein product. Loss-of-function variants in CYP27A1 are known to be pathogenic (PMID: 9392430, 10775536, 26937392). This variant is present in population databases (rs765512351, gnomAD 0.03%). This premature translational stop signal has been observed in individuals with cerebrotendinous xanthomatosis (PMID: 8931710, 26937392). This variant is also known as c.546del. ClinVar contains an entry for this variant (Variation ID: 334367). For these reasons, this variant has been classified as Pathogenic.

Genetics and Genomic Medicine Centre, NeuroGen Healthcare, NeuroGen Healthcare
Classification: Pathogenic for Cholestanol storage disease. Last evaluated: 2024-07-03. Review status: criteria provided, single submitter. Criteria: ACMG Guidelines, 2015. Collection method: clinical testing. Allele origin: unknown. Affected: yes.

Fulgent Genetics
Classification: Pathogenic for Cholestanol storage disease. Last evaluated: 2024-03-04. Review status: criteria provided, single submitter. Criteria: ACMG Guidelines, 2015. Collection method: clinical testing. Allele origin: germline.

Revvity Omics, Revvity
Classification: Pathogenic for Cholestanol storage disease. Last evaluated: 2022-03-21. Review status: criteria provided, single submitter. Criteria: ACMG Guidelines, 2015. Collection method: clinical testing. Allele origin: germline.

Illumina Laboratory Services, Illumina
Classification: Likely pathogenic for Cholestanol storage disease. Last evaluated: 2017-04-27. Review status: criteria provided, single submitter. Criteria: ICSL Variant Classification Criteria 09 May 2019. Collection method: clinical testing. Allele origin: germline.
Comment: The CYP27A1 c.525delG (p.Asp176MetfsTer6) variant, also known as c.526delG, results in a frameshift, and is predicted to result in premature termination of the protein. The p.Asp176MetfsTer6 variant has been reported in four studies in which it is found in a total of five individuals with cerebrotendinous xanthomatosis, including two siblings, all of whom were homozygous for the variant (Verrips et al. 1996; Clayton et al. 2002; Shah et al. 2012; Dutta et al. 2015). The variant has also been reported in a heterozygous state in one unaffected individual. Control data are unavailable for this variant which is reported at a frequency of 0.00012 in the South Asian population of the Exome Aggregation Consortium, but this is based on two alleles only in a region of good sequence coverage so the variant is presumed rare. Due to the potential impact of frameshift variants and the supporting evidence from the literature, the p.Asp176MetfsTer6 variant is classified as likely pathogenic for cerebrotendinous xanthomatosis. This variant was observed by ICSL as part of a predisposition screen in an ostensibly healthy population.

Neuberg Centre For Genomic Medicine, NCGM
Classification: Pathogenic for Cholestanol storage disease. Review status: criteria provided, single submitter. Criteria: ACMG Guidelines, 2015. Collection method: clinical testing. Allele origin: germline. Affected: yes.
Comment: This variant causes a frameshift starting with codon Aspartic Acid 176, changes this amino acid to Methionine residue, and creates a premature Stop codon at position 6 of the new reading frame, denoted p.Asp176MetfsTer6. This variant has been previously reported in affected patients and has segregated with disease (Dutta AK et al, Shah K et al, Clayton PT et al). The variant has been reported to ClinVar as Pathogenic. The p.Asp176MetfsTer6 variant is novel (not in any individuals) in 1000 Genomes and is present at a frequency of 0.00012 in South Asian population in the gnomad database. The variant is predicted to cause loss of function due to protein truncation. Loss of function variants have been previously reported to be disease causing. Hence the above variant has been classified as Pathogenic.

Counsyl
Classification: Pathogenic for Cholestanol storage disease. Last evaluated: 2017-10-17. Review status: no assertion criteria provided. Collection method: clinical testing. Allele origin: unknown. Not counted in ClinVar's aggregate classification.

GeneReviews
Classification: Pathogenic for Cerebrotendinous Xanthomatosis. Last evaluated: 2013-08-01. Review status: no assertion criteria provided. Collection method: curation. Allele origin: unknown. Not counted in ClinVar's aggregate classification.
ClinVar note: Converted during submission from pathologic to Pathogenic.

Literature cited by the submitters: PubMed 12555943 (cited by Natera, Inc. and Illumina Laboratory Services, Illumina); PubMed 23287330 (cited by 3 submitters); PubMed 9392430 (cited by Labcorp Genetics (formerly Invitae), Labcorp); PubMed 10775536 (cited by Labcorp Genetics (formerly Invitae), Labcorp); PubMed 26937392 (cited by 3 submitters); PubMed 8931710 (cited by 3 submitters).